The following is an entry in ClinVar:

NM_000520.6(HEXA):c.271del (p.Glu91fs)

Gene: HEXA (hexosaminidase subunit alpha; minus strand). Cytogenetic location: 15q23.
Variant type: Deletion.
Coding change: c.271del on transcript NM_000520.6 (MANE Select); coding-DNA position 271, one base deleted (G; older notation c.271delG).
Protein change: p.Glu91fs; shifts the reading frame from glutamic acid 91.
Molecular consequence: frameshift variant. On other transcripts: non-coding transcript variant (1).
Genome position (GRCh38, 1-based): chr15:72,356,600, C deleted on the plus strand (G on the coding strand, the reverse complement: HEXA is on the minus strand); the first of 2 consecutive C bases (chr15:72,356,600-72,356,601); deleting either gives the same sequence. VCF-style (leftmost placement, unchanged base first): chr15-72356599-TC-T. GRCh37 (hg19) VCF-style: chr15-72648940-TC-T.
Other names: c.304del, p.Glu102fs (NM_001318825.2); short protein forms E102fs, E91fs.
Identifiers: ClinVar variation 4069134 (VCV004069134.2).

ClinVar aggregate classification (germline): Likely pathogenic (1 of 4 stars; one submission).

Conditions:
Tay-Sachs disease (TSD). Also called: HEXA DEFICIENCY; GM2 gangliosidosis, type 1; Hexosaminidase alpha-subunit deficiency (variant B); Sphingolipidosis, Tay-Sachs; HEXA Disorders; Hexosaminidase A Deficiency. Identifiers: Orphanet 845, MedGen C0039373, MONDO:0010100, OMIM 272800.

Submission:

Natera, Inc.
Classification: Likely pathogenic for Tay-Sachs disease. Last evaluated: 2025-05-10. Review status: criteria provided, single submitter. Criteria: Natera Variant Classification Schema (03/2026). Collection method: clinical testing. Allele origin: germline.
Comment: The c.271del variant in HEXA is a frameshift variant predicted to shift the reading frame beginning at codon 91 and leads to a stop codon 9 codons downstream. This variant is expected to result in nonsense mediated decay, truncation, or a dysfunctional protein product. This variant is rare in the general population with a frequency below the threshold expected for the associated phenotype(s). Given the available evidence, this variant is classified as Likely Pathogenic.